The following is an entry in ClinVar:

NM_177438.3(DICER1):c.4178A>G (p.Asn1393Ser)

Gene: DICER1 (dicer 1, ribonuclease III; minus strand). Cytogenetic location: 14q32.13.
Variant type: single nucleotide variant.
Coding change: c.4178A>G on transcript NM_177438.3 (MANE Select); coding-DNA position 4178, A replaced by G.
Protein change: p.Asn1393Ser; replaces asparagine 1393 with serine.
Molecular consequence: missense variant. On other transcripts: non-coding transcript variant (6).
Genome position (GRCh38, 1-based): chr14:95,099,808, T>C on the plus strand (A>G on the coding strand, the complement: DICER1 is on the minus strand). VCF-style: chr14-95099808-T-C. GRCh37 (hg19) VCF-style: chr14-95566145-T-C.
Other names: c.4178A>G, p.Asn1393Ser (NM_001195573.1, NM_001271282.3, NM_001291628.2 and 13 more transcripts); c.3896A>G, p.Asn1299Ser (NM_001395686.1); c.3773A>G, p.Asn1258Ser (NM_001395687.1, NM_001395688.1, NM_001395689.1 and 2 more transcripts); c.3611A>G, p.Asn1204Ser (NM_001395691.1); c.2495A>G, p.Asn832Ser (NM_001395697.1); short protein forms N1204S, N1393S, N832S, N1258S, N1299S.
Identifiers: ClinVar variation 2786646 (VCV002786646.4), dbSNP rs1890713795, ClinGen allele CA390871807.
Genomic context (GRCh38, chr14:95,099,808, plus strand): 5'-ACACACACACACACACACACACACAAACTTACCATTTCATCTTTTTCCCATTTATCTGTG[T>C]TGCTTTTGTCTTGATTTACTACATAACCAGGAGGAAGCCAATTCACAGGGGGATCAAATA-3'
Protein context (NP_803187.1, residues 1383-1403): PGYVVNQDKS[Asn1393Ser]TDKWEKDEMT

ClinVar aggregate classification (germline): Uncertain significance. Review status: criteria provided, multiple submitters, no conflicts (2 of 4 stars). 2 submissions from 2 submitters: Uncertain significance (2). Last evaluated 2025-06-30.

Conditions:
Hereditary cancer-predisposing syndrome. Also called: Hereditary Cancer Syndrome; Hereditary neoplastic syndrome; Tumor predisposition; Neoplastic Syndromes, Hereditary. Identifiers: Orphanet 140162, MedGen C0027672, MeSH D009386, MONDO:0015356.
DICER1-related tumor predisposition. Also called: DICER1 syndrome; DICER1-related pleuropulmonary blastoma cancer predisposition syndrome. Identifiers: Orphanet 284343, MedGen C3839822, MONDO:0100216.

Allele frequency attached by ClinVar (database versions not stated): TOPMed below 0.00001.

Submissions (2):

Ambry Genetics
Classification: Uncertain significance for Hereditary cancer-predisposing syndrome. Last evaluated: 2025-06-30. Review status: criteria provided, single submitter. Criteria: Ambry Variant Classification Scheme 2023. Collection method: clinical testing. Allele origin: germline.
Comment: The p.N1393S variant (also known as c.4178A>G), located in coding exon 21 of the DICER1 gene, results from an A to G substitution at nucleotide position 4178. The asparagine at codon 1393 is replaced by serine, an amino acid with highly similar properties. This amino acid position is conserved. In addition, this alteration is predicted to be tolerated by in silico analysis. Based on the available evidence, the clinical significance of this variant remains unclear.

Labcorp Genetics (formerly Invitae), Labcorp
Classification: Uncertain significance for DICER1-related tumor predisposition. Last evaluated: 2024-01-19. Review status: criteria provided, single submitter. Criteria: Invitae Variant Classification Sherloc (09022015). Collection method: clinical testing. Allele origin: germline.
Comment: This sequence change replaces asparagine, which is neutral and polar, with serine, which is neutral and polar, at codon 1393 of the DICER1 protein (p.Asn1393Ser). This variant is not present in population databases (gnomAD no frequency). This variant has not been reported in the literature in individuals affected with DICER1-related conditions. Advanced modeling of protein sequence and biophysical properties (such as structural, functional, and spatial information, amino acid conservation, physicochemical variation, residue mobility, and thermodynamic stability) performed at Invitae indicates that this missense variant is not expected to disrupt DICER1 protein function with a negative predictive value of 80%. In summary, the available evidence is currently insufficient to determine the role of this variant in disease. Therefore, it has been classified as a Variant of Uncertain Significance.